The following is an entry in ClinVar:

ClinVar aggregate classification (germline): Conflicting classifications of pathogenicity. Review status: criteria provided, conflicting classifications (1 of 4 stars). 2 submissions from 2 submitters: Uncertain significance (1); Likely benign (1). Last evaluated 2025-11-01.

Allele frequency attached by ClinVar (database versions not stated): ExAC 0.00001; gnomAD exomes 0.00001; gnomAD 0.00002; TOPMed 0.00002.

Submissions (2):

CeGaT Center for Human Genetics Tuebingen
Classification: Likely benign. Last evaluated: 2025-11-01. Review status: criteria provided, single submitter. Criteria: CeGaT Center For Human Genetics Tuebingen Variant Classification Criteria Version 2. Collection method: clinical testing. Allele origin: germline. Affected: yes. Observed: 1 variant allele.
Comment: SLC9A7: BP4

Labcorp Genetics (formerly Invitae), Labcorp
Classification: Uncertain significance. Last evaluated: 2025-07-14. Review status: criteria provided, single submitter. Criteria: Invitae Variant Classification Sherloc (09022015). Collection method: clinical testing. Allele origin: germline.
Comment: This sequence change replaces arginine, which is basic and polar, with histidine, which is basic and polar, at codon 126 of the SLC9A7 protein (p.Arg126His). The frequency data for this variant in the population databases is considered unreliable, as metrics indicate poor data quality at this position in the gnomAD database. This variant has not been reported in the literature in individuals affected with SLC9A7-related conditions. ClinVar contains an entry for this variant (Variation ID: 1366939). Invitae Evidence Modeling of protein sequence and biophysical properties (such as structural, functional, and spatial information, amino acid conservation, physicochemical variation, residue mobility, and thermodynamic stability) indicates that this missense variant is not expected to disrupt SLC9A7 protein function with a negative predictive value of 80%. In summary, the available evidence is currently insufficient to determine the role of this variant in disease. Therefore, it has been classified as a Variant of Uncertain Significance.

NM_001257291.2(SLC9A7):c.377G>A (p.Arg126His)

Gene: SLC9A7 (solute carrier family 9 member A7; minus strand). Cytogenetic location: Xp11.3.
Variant type: single nucleotide variant.
Coding change: c.377G>A on transcript NM_001257291.2 (MANE Select); coding-DNA position 377, G replaced by A.
Protein change: p.Arg126His; replaces arginine 126 with histidine.
Molecular consequence: missense variant.
Genome position (GRCh38, 1-based): chrX:46,682,484, C>T on the plus strand (G>A on the coding strand, the complement: SLC9A7 is on the minus strand). VCF-style: chrX-46682484-C-T. GRCh37 (hg19) VCF-style: chrX-46541919-C-T.
Other names: c.377G>A, p.Arg126His (NM_032591.3); short protein forms R126H.
Identifiers: ClinVar variation 1366939 (VCV001366939.12), dbSNP rs745865153, ClinGen allele CA10394096.